The following is an entry in ClinVar:

ClinVar aggregate classification (germline): Uncertain significance (1 of 4 stars; one submission).

Submission:

Labcorp Genetics (formerly Invitae), Labcorp
Classification: Uncertain significance. Last evaluated: 2024-05-29. Review status: criteria provided, single submitter. Criteria: Invitae Variant Classification Sherloc (09022015). Collection method: clinical testing. Allele origin: germline.
Comment: This sequence change replaces glycine, which is neutral and non-polar, with glutamic acid, which is acidic and polar, at codon 915 of the ALPK1 protein (p.Gly915Glu). This variant is not present in population databases (gnomAD no frequency). This variant has not been reported in the literature in individuals affected with ALPK1-related conditions. Advanced modeling of protein sequence and biophysical properties (such as structural, functional, and spatial information, amino acid conservation, physicochemical variation, residue mobility, and thermodynamic stability) performed at Invitae indicates that this missense variant is not expected to disrupt ALPK1 protein function with a negative predictive value of 80%. In summary, the available evidence is currently insufficient to determine the role of this variant in disease. Therefore, it has been classified as a Variant of Uncertain Significance.

NM_025144.4(ALPK1):c.2744G>A (p.Gly915Glu)

Gene: ALPK1 (alpha kinase 1; plus strand). Cytogenetic location: 4q25.
Variant type: single nucleotide variant.
Coding change: c.2744G>A on transcript NM_025144.4 (MANE Select); coding-DNA position 2744, G replaced by A.
Protein change: p.Gly915Glu; replaces glycine 915 with glutamic acid.
Molecular consequence: missense variant.
Genome position (GRCh38, 1-based): chr4:112,432,291, G>A. VCF-style: chr4-112432291-G-A. GRCh37 (hg19) VCF-style: chr4-113353447-G-A.
Other names: c.2744G>A, p.Gly915Glu (NM_001102406.2); c.2510G>A, p.Gly837Glu (NM_001253884.2); short protein forms G837E, G915E.
Identifiers: ClinVar variation 3670217 (VCV003670217.2).
Genomic context (GRCh38, chr4:112,432,291, plus strand): 5'-ACATCCTCTTCCCTGTCCTCAGCGAGGACTGCACTACCACAGAGGAAGGAAATCAGCCTG[G>A]AAACATGCTAAACTGCAGCCAGAACTCCAGCTCATCCTCAGTGTGGTGGCTGAAATCACC-3'
Protein context (NP_079420.3, residues 905-925): CTTTEEGNQP[Gly915Glu]NMLNCSQNSS